The following is an entry in ClinVar:

ClinVar aggregate classification (germline): Uncertain significance (1 of 4 stars; one submission).

gnomAD v4.1: 1 of 1,209,313 alleles (0.000083%); highest among the groups gnomAD compares: African/African-American, 0.0017%; no homozygotes.

Submission:

Labcorp Genetics (formerly Invitae), Labcorp
Classification: Uncertain significance. Last evaluated: 2024-03-18. Review status: criteria provided, single submitter. Criteria: Invitae Variant Classification Sherloc (09022015). Collection method: clinical testing. Allele origin: germline.
Comment: This sequence change replaces proline, which is neutral and non-polar, with leucine, which is neutral and non-polar, at codon 388 of the COL4A5 protein (p.Pro388Leu). This variant is not present in population databases (gnomAD no frequency). This variant has not been reported in the literature in individuals affected with COL4A5-related conditions. Experimental studies and prediction algorithms are not available or were not evaluated, and the functional significance of this variant is currently unknown. In summary, the available evidence is currently insufficient to determine the role of this variant in disease. Therefore, it has been classified as a Variant of Uncertain Significance.

NM_033380.3(COL4A5):c.1163C>T (p.Pro388Leu)

Gene: COL4A5 (collagen type IV alpha 5 chain; plus strand). Cytogenetic location: Xq22.3.
Variant type: single nucleotide variant.
Coding change: c.1163C>T on transcript NM_033380.3 (MANE Select); coding-DNA position 1163, C replaced by T.
Protein change: p.Pro388Leu; replaces proline 388 with leucine.
Molecular consequence: missense variant.
Genome position (GRCh38, 1-based): chrX:108,586,745, C>T. VCF-style: chrX-108586745-C-T. GRCh37 (hg19) VCF-style: chrX-107829975-C-T.
Other names: c.1163C>T, p.Pro388Leu (NM_000495.5); short protein forms P388L.
Identifiers: ClinVar variation 3685941 (VCV003685941.2).